The following is an entry in ClinVar:

ClinVar aggregate classification (germline): Uncertain significance. Review status: criteria provided, multiple submitters, no conflicts (2 of 4 stars). 2 submissions from 2 submitters: Uncertain significance (2). Last evaluated 2025-02-07.

Conditions:
Inborn genetic diseases. Identifiers: MedGen C0950123, MeSH D030342.

gnomAD v4.1: 3 of 1,613,390 alleles (0.00019%); highest among the groups gnomAD compares: Admixed American, 0.005%; no homozygotes.

Submissions (2):

GeneDx
Classification: Uncertain significance. Last evaluated: 2025-02-07. Review status: criteria provided, single submitter. Criteria: GeneDx Variant Classification Process June 2021. Collection method: clinical testing. Allele origin: germline. Affected: yes.
Comment: Not observed at significant frequency in large population cohorts (gnomAD); In silico analysis indicates that this missense variant does not alter protein structure/function; Has not been previously published as pathogenic or benign to our knowledge

Ambry Genetics
Classification: Uncertain significance for Inborn genetic diseases. Last evaluated: 2024-12-15. Review status: criteria provided, single submitter. Criteria: Ambry Variant Classification Scheme 2023. Collection method: clinical testing. Allele origin: germline.
Comment: The p.N958D variant (also known as c.2872A>G), located in coding exon 14 of the FANCM gene, results from an A to G substitution at nucleotide position 2872. The asparagine at codon 958 is replaced by aspartic acid, an amino acid with highly similar properties. This amino acid position is conserved. In addition, this alteration is predicted to be tolerated by in silico analysis. Based on the available evidence, the clinical significance of this variant remains unclear.

NM_020937.4(FANCM):c.2872A>G (p.Asn958Asp)

Gene: FANCM (FA complementation group M; plus strand). Cytogenetic location: 14q21.2.
Variant type: single nucleotide variant.
Coding change: c.2872A>G on transcript NM_020937.4 (MANE Select); coding-DNA position 2872, A replaced by G.
Protein change: p.Asn958Asp; replaces asparagine 958 with aspartic acid.
Molecular consequence: missense variant.
Genome position (GRCh38, 1-based): chr14:45,175,626, A>G. VCF-style: chr14-45175626-A-G. GRCh37 (hg19) VCF-style: chr14-45644829-A-G.
Other names: c.2794A>G, p.Asn932Asp (NM_001308133.2); short protein forms N932D, N958D.
Identifiers: ClinVar variation 3848499 (VCV003848499.2).
Genomic context (GRCh38, chr14:45,175,626, plus strand): 5'-GCTGGAAATGTTTTAGATTCTGGTTATAACAGTTTCAATGATGAAAAATCTGTTTCATCT[A>G]ACTTATTTCTTCCATTCGAAGAAGAGCTTTATATTGTTAGAACAGATGACCAATTTTATA-3'
Protein context (NP_065988.1, residues 948-968): SFNDEKSVSS[Asn958Asp]LFLPFEEELY